The following is an entry in ClinVar:

NM_014806.5(RUSC2):c.620G>A (p.Gly207Glu)

Gene: RUSC2 (RUN and SH3 domain containing 2; plus strand). Cytogenetic location: 9p13.3.
Variant type: single nucleotide variant.
Coding change: c.620G>A on transcript NM_014806.5 (MANE Select); coding-DNA position 620, G replaced by A.
Protein change: p.Gly207Glu; replaces glycine 207 with glutamic acid.
Molecular consequence: missense variant. On other transcripts: non-coding transcript variant (1), intron variant (1).
Genome position (GRCh38, 1-based): chr9:35,547,141, G>A. VCF-style: chr9-35547141-G-A. GRCh37 (hg19) VCF-style: chr9-35547138-G-A.
Other names: c.620G>A, p.Gly207Glu (NM_001135999.2); c.-620-7919G>A (NM_001330740.2); short protein forms G207E.
Identifiers: ClinVar variation 1381968 (VCV001381968.8), dbSNP rs751304554, ClinGen allele CA373328070.

ClinVar aggregate classification (germline): Uncertain significance (1 of 4 stars; one submission).

gnomAD v4.1: 1 of 1,614,196 alleles (0.000062%); highest among the groups gnomAD compares: Non-Finnish European, 0.000085%; no homozygotes.

Submission:

Labcorp Genetics (formerly Invitae), Labcorp
Classification: Uncertain significance. Last evaluated: 2021-03-20. Review status: criteria provided, single submitter. Criteria: Invitae Variant Classification Sherloc (09022015). Collection method: clinical testing. Allele origin: germline.
Comment: In summary, the available evidence is currently insufficient to determine the role of this variant in disease. Therefore, it has been classified as a Variant of Uncertain Significance. Algorithms developed to predict the effect of missense changes on protein structure and function are either unavailable or do not agree on the potential impact of this missense change (SIFT: "Tolerated"; PolyPhen-2: "Probably Damaging"; Align-GVGD: "Class C0"). This variant has not been reported in the literature in individuals with RUSC2-related conditions. This variant is not present in population databases (ExAC no frequency). This sequence change replaces glycine with glutamic acid at codon 207 of the RUSC2 protein (p.Gly207Glu). The glycine residue is moderately conserved and there is a moderate physicochemical difference between glycine and glutamic acid.